The following is an entry in ClinVar:

NM_005068.3(SIM1):c.1120C>T (p.Arg374Trp)

Genes: SIM1 (SIM bHLH transcription factor 1; minus strand), SIM1-AS1 (SIM1 antisense RNA 1; plus strand). Cytogenetic location: 6q16.3.
Variant type: single nucleotide variant.
Coding change: c.1120C>T on transcript NM_005068.3 (MANE Select); coding-DNA position 1120, C replaced by T.
Protein change: p.Arg374Trp; replaces arginine 374 with tryptophan.
Molecular consequence: missense variant.
Genome position (GRCh38, 1-based): chr6:100,420,837, G>A on the plus strand (C>T on the coding strand, the complement: SIM1 is on the minus strand). VCF-style: chr6-100420837-G-A. GRCh37 (hg19) VCF-style: chr6-100868713-G-A.
Other names: c.1120C>T, p.Arg374Trp (NM_001374769.1); short protein forms R374W.
Identifiers: ClinVar variation 2635999 (VCV002635999.3), dbSNP rs757394444, ClinGen allele CA3937124.

ClinVar aggregate classification (germline): Uncertain significance. Review status: criteria provided, multiple submitters, no conflicts (2 of 4 stars). 2 submissions from 2 submitters: Uncertain significance (2). Last evaluated 2025-11-17.

Conditions:
SIM1-related disorder. Also called: SIM1-related condition; SIM1-related disorders.

Allele frequency attached by ClinVar (database versions not stated): ExAC 0.00001; gnomAD 0.00001; gnomAD exomes 0.00001.
gnomAD v4.1: 11 of 1,614,000 alleles (0.00068%); highest among the groups gnomAD compares: Admixed American, 0.0017%; no homozygotes.

Submissions (2):

PreventionGenetics, part of Exact Sciences
Classification: Uncertain significance for SIM1-related condition. Last evaluated: 2025-11-17. Review status: criteria provided, single submitter. Criteria: ACMG Guidelines, 2015. Collection method: clinical testing. Allele origin: germline.
Comment: The SIM1 c.1120C>T variant is predicted to result in the amino acid substitution p.Arg374Trp. To our knowledge, this variant has not been reported in the literature. This variant is reported in 0.0040% of alleles in individuals of African descent in gnomAD. At this time, the clinical significance of this variant is uncertain due to the absence of conclusive functional and genetic evidence.

Labcorp Genetics (formerly Invitae), Labcorp
Classification: Uncertain significance. Last evaluated: 2025-03-28. Review status: criteria provided, single submitter. Criteria: Invitae Variant Classification Sherloc (09022015). Collection method: clinical testing. Allele origin: germline.
Comment: This sequence change replaces arginine, which is basic and polar, with tryptophan, which is neutral and slightly polar, at codon 374 of the SIM1 protein (p.Arg374Trp). This variant is present in population databases (rs757394444, gnomAD 0.004%). This variant has not been reported in the literature in individuals affected with SIM1-related conditions. ClinVar contains an entry for this variant (Variation ID: 2635999). An algorithm developed to predict the effect of missense changes on protein structure and function (PolyPhen-2) suggests that this variant is likely to be disruptive. In summary, the available evidence is currently insufficient to determine the role of this variant in disease. Therefore, it has been classified as a Variant of Uncertain Significance.